The following is an entry in ClinVar:

NM_001378454.1(ALMS1):c.619A>T (p.Arg207Ter)

Gene: ALMS1 (ALMS1 centrosome and basal body associated protein; plus strand). Cytogenetic location: 2p13.1.
Variant type: single nucleotide variant.
Coding change: c.619A>T on transcript NM_001378454.1 (MANE Select); coding-DNA position 619, A replaced by T.
Protein change: p.Arg207Ter; replaces arginine 207 with a stop codon.
Molecular consequence: nonsense.
Genome position (GRCh38, 1-based): chr2:73,419,291, A>T. VCF-style: chr2-73419291-A-T. GRCh37 (hg19) VCF-style: chr2-73646419-A-T.
Other names: c.622A>T, p.Arg208Ter (NM_015120.4); short protein forms R207*, R208*.
Identifiers: ClinVar variation 1300788 (VCV001300788.10), dbSNP rs771994237, ClinGen allele CA347259346.

ClinVar aggregate classification (germline): Pathogenic/Likely pathogenic. Review status: criteria provided, multiple submitters, no conflicts (2 of 4 stars). 6 submissions from 6 submitters: Pathogenic (4); Likely pathogenic (2). Last evaluated 2025-09-16.

Conditions:
Alstrom syndrome (ALMS). Identifiers: Orphanet 64, MedGen C0268425, MONDO:0008763, OMIM 203800.
Cardiovascular phenotype. Identifiers: MedGen CN230736.

Allele frequency attached by ClinVar (database versions not stated): gnomAD 0.00001; TOPMed 0.00003.
gnomAD v4.1: 4 of 1,613,956 alleles (0.00025%); highest among the groups gnomAD compares: African/African-American, 0.0053%; no homozygotes.

Submissions (6):

Labcorp Genetics (formerly Invitae), Labcorp
Classification: Pathogenic for Alstrom syndrome. Last evaluated: 2025-09-16. Review status: criteria provided, single submitter. Criteria: Invitae Variant Classification Sherloc (09022015). Collection method: clinical testing. Allele origin: germline.
Comment: This sequence change creates a premature translational stop signal (p.Arg208*) in the ALMS1 gene. It is expected to result in an absent or disrupted protein product. Loss-of-function variants in ALMS1 are known to be pathogenic (PMID: 17594715). This variant is not present in population databases (gnomAD no frequency). This variant has not been reported in the literature in individuals affected with ALMS1-related conditions. ClinVar contains an entry for this variant (Variation ID: 1300788). For these reasons, this variant has been classified as Pathogenic.

Natera, Inc.
Classification: Likely pathogenic for Alstrom syndrome. Last evaluated: 2024-12-20. Review status: criteria provided, single submitter. Criteria: Natera Variant Classification Schema (03/2026). Collection method: clinical testing. Allele origin: germline.
Comment: The c.622A>T variant in ALMS1 is a nonsense variant predicted to introduce a stop codon at amino acid 208. This variant is expected to result in nonsense mediated decay, truncation, or a dysfunctional protein product. This variant is rare in the general population with a frequency below the threshold expected for the associated phenotype(s). Given the available evidence, this variant is classified as Likely Pathogenic.

Women's Health and Genetics/Laboratory Corporation of America, LabCorp
Classification: Pathogenic for Alstrom syndrome. Last evaluated: 2024-06-06. Review status: criteria provided, single submitter. Criteria: LabCorp Variant Classification Summary - May 2015. Collection method: clinical testing. Allele origin: germline.
Comment: Variant summary: ALMS1 c.619A>T (p.Arg207X), also known as c.622/p.R208X in the Refseq database, results in a premature termination codon, predicted to cause a truncation of the encoded protein or absence of the protein due to nonsense mediated decay, which are commonly known mechanisms for disease. The variant was absent in 249048 control chromosomes (gnomAD). To our knowledge, no occurrence of c.619A>T in individuals affected with Alstrom Syndrome and no experimental evidence demonstrating its impact on protein function have been reported. ClinVar contains an entry for this variant (Variation ID: 1300788). Based on the evidence outlined above, the variant was classified as pathogenic.

Fulgent Genetics
Classification: Likely pathogenic for Alstrom syndrome. Last evaluated: 2021-12-13. Review status: criteria provided, single submitter. Criteria: ACMG Guidelines, 2015. Collection method: clinical testing. Allele origin: unknown.

GeneDx
Classification: Pathogenic. Last evaluated: 2021-10-14. Review status: criteria provided, single submitter. Criteria: GeneDx Variant Classification Process June 2021. Collection method: clinical testing. Allele origin: germline. Affected: yes.
Comment: Nonsense variant predicted to result in protein truncation or nonsense mediated decay in a gene for which loss-of-function is a known mechanism of disease; Not observed in large population cohorts (Lek et al., 2016); Has not been previously published as pathogenic or benign to our knowledge

Ambry Genetics
Classification: Pathogenic for Cardiovascular phenotype. Last evaluated: 2020-03-16. Review status: criteria provided, single submitter. Criteria: Ambry Variant Classification Scheme 2023. Collection method: clinical testing. Allele origin: germline.
Comment: The p.R208* pathogenic mutation (also known as c.622A>T), located in coding exon 3 of the ALMS1 gene, results from an A to T substitution at nucleotide position 622. This changes the amino acid from an arginine to a stop codon within coding exon 3. This alteration is expected to result in loss of function by premature protein truncation or nonsense-mediated mRNA decay. As such, this alteration is interpreted as a disease-causing mutation.

Literature cited by the submitters: PubMed 17594715 (cited by Labcorp Genetics (formerly Invitae), Labcorp).